The following is an entry in ClinVar:

ClinVar aggregate classification (germline): Uncertain significance (1 of 4 stars; one submission).

Conditions:
DUOX2-related disorder. Also called: DUOX2-related condition.

gnomAD v4.1: 5 of 1,613,942 alleles (0.00031%); highest among the groups gnomAD compares: African/African-American, 0.0013%; no homozygotes.

Submission:

PreventionGenetics, part of Exact Sciences
Classification: Uncertain significance for DUOX2-related condition. Last evaluated: 2025-03-18. Review status: criteria provided, single submitter. Criteria: ACMG Guidelines, 2015. Collection method: clinical testing. Allele origin: germline.
Comment: The DUOX2 c.4058A>G variant is predicted to result in the amino acid substitution p.Asn1353Ser. To our knowledge, this variant has not been reported in the literature. This variant is reported in 0.00088% of alleles in individuals of European (Non-Finnish) descent in gnomAD. At this time, the clinical significance of this variant is uncertain due to the absence of conclusive functional and genetic evidence.

NM_001363711.2(DUOX2):c.4058A>G (p.Asn1353Ser)

Gene: DUOX2 (dual oxidase 2; minus strand). Cytogenetic location: 15q21.1.
Variant type: single nucleotide variant.
Coding change: c.4058A>G on transcript NM_001363711.2 (MANE Select); coding-DNA position 4058, A replaced by G.
Protein change: p.Asn1353Ser; replaces asparagine 1353 with serine.
Molecular consequence: missense variant.
Genome position (GRCh38, 1-based): chr15:45,095,850, T>C on the plus strand (A>G on the coding strand, the complement: DUOX2 is on the minus strand). VCF-style: chr15-45095850-T-C. GRCh37 (hg19) VCF-style: chr15-45388048-T-C.
Other names: c.4058A>G, p.Asn1353Ser (NM_014080.5); short protein forms N1353S.
Identifiers: ClinVar variation 4985133 (VCV004985133.1).